The following is an entry in ClinVar:

ClinVar aggregate classification (germline): Uncertain significance. Review status: criteria provided, multiple submitters, no conflicts (2 of 4 stars). 3 submissions from 3 submitters: Uncertain significance (3). Last evaluated 2025-09-24.

Conditions:
Ataxia-telangiectasia syndrome (AT). Also called: Ataxia-telangiectasia; LOUIS-BAR SYNDROME; Ataxia-telangiectasia, complementation group D; AT, COMPLEMENTATION GROUP C; ATAXIA-TELANGIECTASIA, COMPLEMENTATION GROUP A; ATAXIA-TELANGIECTASIA, FRESNO VARIANT. Identifiers: Orphanet 100, MedGen C0004135, MONDO:0008840, OMIM 208900.
Hereditary cancer-predisposing syndrome. Also called: Tumor predisposition; Neoplastic Syndromes, Hereditary; Hereditary Cancer Syndrome; Hereditary neoplastic syndrome. Identifiers: Orphanet 140162, MedGen C0027672, MeSH D009386, MONDO:0015356.

Submissions (3):

Labcorp Genetics (formerly Invitae), Labcorp
Classification: Uncertain significance for Ataxia-telangiectasia syndrome. Last evaluated: 2025-09-24. Review status: criteria provided, single submitter. Criteria: Invitae Variant Classification Sherloc (09022015). Collection method: clinical testing. Allele origin: germline.
Comment: This sequence change replaces serine, which is neutral and polar, with asparagine, which is neutral and polar, at codon 3027 of the ATM protein (p.Ser3027Asn). This variant is not present in population databases (gnomAD no frequency). This variant has not been reported in the literature in individuals affected with ATM-related conditions. ClinVar contains an entry for this variant (Variation ID: 1422055). Invitae Evidence Modeling of protein sequence and biophysical properties (such as structural, functional, and spatial information, amino acid conservation, physicochemical variation, residue mobility, and thermodynamic stability) has been performed for this missense variant. However, the output from this modeling did not meet the statistical confidence thresholds required to predict the impact of this variant on ATM protein function. In summary, the available evidence is currently insufficient to determine the role of this variant in disease. Therefore, it has been classified as a Variant of Uncertain Significance.

Quest Diagnostics Nichols Institute San Juan Capistrano
Classification: Uncertain significance. Last evaluated: 2024-01-25. Review status: criteria provided, single submitter. Criteria: Quest Diagnostics criteria. Collection method: clinical testing. Allele origin: unknown.

Ambry Genetics
Classification: Uncertain significance for Hereditary cancer-predisposing syndrome. Last evaluated: 2023-09-06. Review status: criteria provided, single submitter. Criteria: Ambry Variant Classification Scheme 2023. Collection method: clinical testing. Allele origin: germline.
Comment: The p.S3027N variant (also known as c.9080G>A), located in coding exon 62 of the ATM gene, results from a G to A substitution at nucleotide position 9080. The serine at codon 3027 is replaced by asparagine, an amino acid with highly similar properties. This amino acid position is conserved. In addition, the in silico prediction for this alteration is inconclusive. Since supporting evidence is limited at this time, the clinical significance of this alteration remains unclear.

NM_000051.4(ATM):c.9080G>A (p.Ser3027Asn)

Genes: ATM (ATM serine/threonine kinase; plus strand), C11orf65 (chromosome 11 open reading frame 65; minus strand). Cytogenetic location: 11q22.3.
Variant type: single nucleotide variant.
Coding change: c.9080G>A on transcript NM_000051.4 (MANE Select); coding-DNA position 9080, G replaced by A.
Protein change: p.Ser3027Asn; replaces serine 3027 with asparagine.
Molecular consequence: missense variant. On other transcripts: intron variant (2).
Genome position (GRCh38, 1-based): chr11:108,365,417, G>A. VCF-style: chr11-108365417-G-A. GRCh37 (hg19) VCF-style: chr11-108236144-G-A.
Other names: c.9080G>A, p.Ser3027Asn (NM_001351834.2); c.640+20503C>T (NM_001330368.2); c.694+20503C>T (NM_001351110.2); short protein forms S3027N.
Identifiers: ClinVar variation 1422055 (VCV001422055.8), dbSNP rs1565609342, ClinGen allele CA382531768.
Genomic context (GRCh38, chr11:108,365,417, plus strand): 5'-AACGTGTCTTAATGAGACTACAAGAGAAACTGAAAGGAGTGGAAGAAGGCACTGTGCTCA[G>A]TGTTGGTGGACAAGTGAATTTGCTCATACAGCAGGCCATAGACCCCAAAAATCTCAGCCG-3'
Protein context (NP_000042.3, residues 3017-3037): LKGVEEGTVL[Ser3027Asn]VGGQVNLLIQ